The following is an entry in ClinVar:

ClinVar aggregate classification (germline): Uncertain significance. Review status: criteria provided, multiple submitters, no conflicts (2 of 4 stars). 5 submissions from 4 submitters: Uncertain significance (5). Last evaluated 2025-06-30.

Conditions:
Hypobetalipoproteinemia. Identifiers: Orphanet 31154, MedGen C0020597, MONDO:0017774.
Familial hypercholesterolemia. Also called: Familial hypercholesterolaemia; Familial hypercholesterolemias. Identifiers: MedGen C0020445, MONDO:0005439.
Hypercholesterolemia, autosomal dominant, 3 (FHCL3). Also called: Familial Hypercholesterolemia, Autosomal Dominant, 3; PCSK9-Related Familial Hypercholesterolemia, Autosomal Dominant; Familial hypercholesterolemia 3. Identifiers: MedGen C1863551, MONDO:0011369, OMIM 603776.

gnomAD v4.1: 5 of 1,613,926 alleles (0.00031%); highest among the groups gnomAD compares: Admixed American, 0.0017%; no homozygotes.

Submissions (5):

Color Diagnostics, LLC DBA Color Health
Classification: Uncertain significance for Familial hypercholesterolemia. Last evaluated: 2025-06-30. Review status: criteria provided, single submitter. Criteria: ACMG Guidelines, 2015. Collection method: clinical testing. Allele origin: germline.
Comment: This missense variant replaces glutamic acid with lysine at codon 669 of the PCSK9 protein. Computational prediction suggests that this variant may not impact protein structure and function. And in vitro functional study has shown that this variant does not impact PCSK9 processing activity (PMID: 29259136). This variant has been reported in an individual affected with familial hypercholesterolemia (PMID: 33147992). This variant has not been identified in the general population by the Genome Aggregation Database (gnomAD). The available evidence is insufficient to determine the role of this variant in disease conclusively. Therefore, this variant is classified as a Variant of Uncertain Significance.

All of Us Research Program, National Institutes of Health
Classification: Uncertain significance for Hypercholesterolemia, autosomal dominant, 3. Last evaluated: 2023-02-24. Review status: criteria provided, single submitter. Criteria: ACMG Guidelines, 2015. Collection method: clinical testing. Allele origin: germline. Inheritance: Autosomal dominant inheritance. Observed: 1 variant allele, 1 heterozygote.
Comment: This missense variant replaces glutamic acid with lysine at codon 669 of the PCSK9 protein. Computational prediction suggests that this variant may not impact protein structure and function (internally defined REVEL score threshold <= 0.5, PMID: 27666373). To our knowledge, functional studies have not been reported for this variant. This variant has been reported in an individual affected with familial hypercholesterolemia (PMID: 33147992). This variant has not been identified in the general population by the Genome Aggregation Database (gnomAD). The available evidence is insufficient to determine the role of this variant in disease conclusively. Therefore, this variant is classified as a Variant of Uncertain Significance.

This study involves interpretation of variants in research participants for the purpose of population health screening. Participant phenotype was not available at the time of variant classification. Additional details can be found in publication PMID: 35346344, PMCID: PMC8962531

Blueprint Genetics
Classification: Uncertain significance. Last evaluated: 2018-03-19. Review status: criteria provided, single submitter. Criteria: ACMG Guidelines, 2015. Collection method: clinical testing. Allele origin: germline.

Illumina Laboratory Services, Illumina
Classification: Uncertain significance for Hypercholesterolemia, autosomal dominant, 3. Last evaluated: 2018-01-12. Review status: criteria provided, single submitter. Criteria: ICSL Variant Classification Criteria 13 December 2019. Collection method: clinical testing. Allele origin: germline.

Illumina Laboratory Services, Illumina
Classification: Uncertain significance for Hypobetalipoproteinemia. Last evaluated: 2018-01-12. Review status: criteria provided, single submitter. Criteria: ICSL Variant Classification Criteria 13 December 2019. Collection method: clinical testing. Allele origin: germline.

Literature cited by the submitters: PubMed 29259136 (cited by Color Diagnostics, LLC DBA Color Health); PubMed 33147992 (cited by Color Diagnostics, LLC DBA Color Health and All of Us Research Program, National Institutes of Health).

NM_174936.4(PCSK9):c.2005G>A (p.Glu669Lys)

Gene: PCSK9 (proprotein convertase subtilisin/kexin type 9; plus strand). Cytogenetic location: 1p32.3.
Variant type: single nucleotide variant.
Coding change: c.2005G>A on transcript NM_174936.4 (MANE Select); coding-DNA position 2005, G replaced by A.
Protein change: p.Glu669Lys; replaces glutamic acid 669 with lysine.
Molecular consequence: missense variant.
Genome position (GRCh38, 1-based): chr1:55,063,510, G>A. VCF-style: chr1-55063510-G-A. GRCh37 (hg19) VCF-style: chr1-55529183-G-A.
Other names: c.2128G>A, p.Glu710Lys (NM_001407240.1); c.2047G>A, p.Glu683Lys (NM_001407241.1); c.2008G>A, p.Glu670Lys (NM_001407242.1); c.1948G>A, p.Glu650Lys (NM_001407243.1); c.1831G>A, p.Glu611Lys (NM_001407244.1); c.1813G>A, p.Glu605Lys (NM_001407245.1); c.1630G>A, p.Glu544Lys (NM_001407246.1); c.1504G>A, p.Glu502Lys (NM_001407247.1); short protein forms E669K, E544K, E650K, E502K, E670K, E710K, E605K, E611K.
Identifiers: ClinVar variation 297708 (VCV000297708.9), dbSNP rs886046435, ClinGen allele CA10610176.